The following is an entry in ClinVar:

NM_001113378.2(FANCI):c.1676G>T (p.Ser559Ile)

Gene: FANCI (FA complementation group I; plus strand). Cytogenetic location: 15q26.1.
Variant type: single nucleotide variant.
Coding change: c.1676G>T on transcript NM_001113378.2 (MANE Select); coding-DNA position 1676, G replaced by T.
Protein change: p.Ser559Ile; replaces serine 559 with isoleucine.
Molecular consequence: missense variant.
Genome position (GRCh38, 1-based): chr15:89,283,228, G>T. VCF-style: chr15-89283228-G-T. GRCh37 (hg19) VCF-style: chr15-89826459-G-T.
Other names: c.1397G>T, p.Ser466Ile (NM_001376910.1); c.1676G>T, p.Ser559Ile (NM_001376911.1, NM_018193.3); short protein forms S559I, S466I.
Identifiers: ClinVar variation 456192 (VCV000456192.8), dbSNP rs1555446426, ClinGen allele CA393745130.
Genomic context (GRCh38, chr15:89,283,228, plus strand): 5'-GGTTTTTGCTGCTCCTGAAGAACTTTAAAGTTTTAGGCAGCCTGTCATCCTCTCAGTGCA[G>T]TCAGTCTCTCAGTGTCAGTCAGGTAAGGATTATTTACGTTAACTTGCAGTGTGTGCGTAT-3'
Protein context (NP_001106849.1, residues 549-569): VLGSLSSSQC[Ser559Ile]QSLSVSQVHV

ClinVar aggregate classification (germline): Uncertain significance (1 of 4 stars; one submission).

Conditions:
Fanconi anemia (FA). Also called: Fanconi's anemia. Identifiers: Orphanet 84, MedGen C0015625, MeSH D005199, MONDO:0019391.

Submission:

Labcorp Genetics (formerly Invitae), Labcorp
Classification: Uncertain significance for Fanconi anemia. Last evaluated: 2020-02-27. Review status: criteria provided, single submitter. Criteria: Invitae Variant Classification Sherloc (09022015). Collection method: clinical testing. Allele origin: germline.
Comment: In summary, this variant is a novel missense change with uncertain impact on protein function. It has been classified as a Variant of Uncertain Significance. Algorithms developed to predict the effect of missense changes on protein structure and function do not agree on the potential impact of this missense change (SIFT: "Deleterious"; PolyPhen-2: "Possibly Damaging"; Align-GVGD: "Class C0"). This variant is not present in population databases (ExAC no frequency) and has not been reported in the literature in individuals with a FANCI-related disease. This sequence change replaces serine with isoleucine at codon 559 of the FANCI protein (p.Ser559Ile). The serine residue is moderately conserved and there is a large physicochemical difference between serine and isoleucine.